The following is an entry in ClinVar:

NM_182961.4(SYNE1):c.21502G>A (p.Val7168Ile)

Gene: SYNE1 (spectrin repeat containing nuclear envelope protein 1; minus strand). Cytogenetic location: 6q25.2.
Variant type: single nucleotide variant.
Coding change: c.21502G>A on transcript NM_182961.4 (MANE Select); coding-DNA position 21502, G replaced by A.
Protein change: p.Val7168Ile; replaces valine 7168 with isoleucine.
Molecular consequence: missense variant.
Genome position (GRCh38, 1-based): chr6:152,224,514, C>T on the plus strand (G>A on the coding strand, the complement: SYNE1 is on the minus strand). VCF-style: chr6-152224514-C-T. GRCh37 (hg19) VCF-style: chr6-152545649-C-T.
Other names: c.21289G>A, p.Val7097Ile (NM_033071.5); short protein forms V7097I, V7168I.
Identifiers: ClinVar variation 471022 (VCV000471022.14), dbSNP rs760451139, ClinGen allele CA4054143.
Genomic context (GRCh38, chr6:152,224,514, plus strand): 5'-TTAAAATGAACGTTAAGGATGTGTTAAATTAATTCCTTACCTGAAGATTGTCCACCTGAA[C>T]TTGCACAGCTTCTAAGGAGCCAGTCAGCAGACGGAATCGGGAAAGAGAGTATCTGGCCTC-3'
Protein context (NP_892006.3, residues 7158-7178): LLTGSLEAVQ[Val7168Ile]QVDNLQNLQD

ClinVar aggregate classification (germline): Uncertain significance. Review status: criteria provided, multiple submitters, no conflicts (2 of 4 stars). 5 submissions from 5 submitters: Uncertain significance (5). Last evaluated 2026-05-01.

Conditions:
Autosomal recessive ataxia, Beauce type. Also called: Spinocerebellar ataxia, autosomal recessive 8; SYNE1 Deficiency; ATAXIA, RECESSIVE, OF BEAUCE; SYNE1-Related Autosomal Recessive Cerebellar Ataxia. Identifiers: Orphanet 88644, MedGen C1853116, MONDO:0012549, OMIM 610743.
Emery-Dreifuss muscular dystrophy 4, autosomal dominant (EDMD4). Also called: EMERY-DREIFUSS MUSCULAR DYSTROPHY 4 WITH VARIABLE FEATURES. Identifiers: Orphanet 261, MedGen C2751807, MONDO:0013071, OMIM 612998.

Allele frequency attached by ClinVar (database versions not stated): ExAC 0.00002; gnomAD exomes 0.00002; gnomAD 0.00005; TOPMed 0.00005.
gnomAD v4.1: 112 of 1,613,854 alleles (0.0069%); highest among the groups gnomAD compares: Non-Finnish European, 0.0088%; no homozygotes.

Submissions (5):

CeGaT Center for Human Genetics Tuebingen
Classification: Uncertain significance. Last evaluated: 2026-05-01. Review status: criteria provided, single submitter. Criteria: CeGaT Center For Human Genetics Tuebingen Variant Classification Criteria Version 2. Collection method: clinical testing. Allele origin: germline. Affected: yes. Observed: 1 variant allele.
Comment: SYNE1: PM2, PM3:Supporting, BP4

Labcorp Genetics (formerly Invitae), Labcorp
Classification: Uncertain significance for Emery-Dreifuss muscular dystrophy 4, autosomal dominant; Autosomal recessive ataxia, Beauce type. Last evaluated: 2024-01-24. Review status: criteria provided, single submitter. Criteria: Invitae Variant Classification Sherloc (09022015). Collection method: clinical testing. Allele origin: germline.
Comment: This sequence change replaces valine, which is neutral and non-polar, with isoleucine, which is neutral and non-polar, at codon 7097 of the SYNE1 protein (p.Val7097Ile). This variant is present in population databases (rs760451139, gnomAD 0.007%). This variant has not been reported in the literature in individuals affected with SYNE1-related conditions. ClinVar contains an entry for this variant (Variation ID: 471022). Algorithms developed to predict the effect of missense changes on protein structure and function output the following: SIFT: "Not Available"; PolyPhen-2: "Benign"; Align-GVGD: "Not Available". The isoleucine amino acid residue is found in multiple mammalian species, which suggests that this missense change does not adversely affect protein function. In summary, the available evidence is currently insufficient to determine the role of this variant in disease. Therefore, it has been classified as a Variant of Uncertain Significance.

GeneDx
Classification: Uncertain significance. Last evaluated: 2023-04-12. Review status: criteria provided, single submitter. Criteria: GeneDx Variant Classification Process June 2021. Collection method: clinical testing. Allele origin: germline. Affected: yes.
Comment: In silico analysis supports that this missense variant does not alter protein structure/function; Has not been previously published as pathogenic or benign to our knowledge

Athena Diagnostics
Classification: Uncertain significance. Last evaluated: 2022-05-16. Review status: criteria provided, single submitter. Criteria: Athena Diagnostics Criteria. Collection method: clinical testing. Allele origin: unknown.

Revvity Omics, Revvity
Classification: Uncertain significance. Last evaluated: 2021-02-03. Review status: criteria provided, single submitter. Criteria: ACMG Guidelines, 2015. Collection method: clinical testing. Allele origin: germline.